The following is an entry in ClinVar:

ClinVar aggregate classification (germline): Uncertain significance (1 of 4 stars; one submission).

Conditions:
Gastrointestinal stromal tumor. Also called: Gastrointestinal stromal tumor, somatic; Gastrointestinal stroma tumor. Identifiers: Orphanet 44890, MedGen C0238198, MeSH D046152, MONDO:0011719, OMIM 606764, HP:0100723.

Submission:

Labcorp Genetics (formerly Invitae), Labcorp
Classification: Uncertain significance for Gastrointestinal stromal tumor. Last evaluated: 2023-01-06. Review status: criteria provided, single submitter. Criteria: Invitae Variant Classification Sherloc (09022015). Collection method: clinical testing. Allele origin: germline.
Comment: This sequence change replaces serine, which is neutral and polar, with tryptophan, which is neutral and slightly polar, at codon 847 of the PDGFRA protein (p.Ser847Trp). This variant is not present in population databases (gnomAD no frequency). In summary, the available evidence is currently insufficient to determine the role of this variant in disease. Therefore, it has been classified as a Variant of Uncertain Significance. Advanced modeling of protein sequence and biophysical properties (such as structural, functional, and spatial information, amino acid conservation, physicochemical variation, residue mobility, and thermodynamic stability) performed at Invitae indicates that this missense variant is not expected to disrupt PDGFRA protein function. This variant has not been reported in the literature in individuals affected with PDGFRA-related conditions.

NM_006206.6(PDGFRA):c.2540C>G (p.Ser847Trp)

Gene: PDGFRA (platelet derived growth factor receptor alpha; plus strand). Cytogenetic location: 4q12.
Variant type: single nucleotide variant.
Coding change: c.2540C>G on transcript NM_006206.6 (MANE Select); coding-DNA position 2540, C replaced by G.
Protein change: p.Ser847Trp; replaces serine 847 with tryptophan.
Molecular consequence: missense variant.
Genome position (GRCh38, 1-based): chr4:54,285,941, C>G. VCF-style: chr4-54285941-C-G. GRCh37 (hg19) VCF-style: chr4-55152108-C-G.
Other names: c.2615C>G, p.Ser872Trp (NM_001347828.2); c.2540C>G, p.Ser847Trp (NM_001347829.2); c.2579C>G, p.Ser860Trp (NM_001347830.2); short protein forms S872W, S847W, S860W.
Identifiers: ClinVar variation 2826606 (VCV002826606.3), dbSNP rs377487797, ClinGen allele CA356895065.
Genomic context (GRCh38, chr4:54,285,941, plus strand): 5'-CACAAGGAAAAATTGTGAAGATCTGTGACTTTGGCCTGGCCAGAGACATCATGCATGATT[C>G]GAACTATGTGTCGAAAGGCAGTGTACGTCCTCACTTCCCTCACTGGTCAGGCTCATCCTC-3'
Protein context (NP_006197.1, residues 837-857): FGLARDIMHD[Ser847Trp]NYVSKGSTFL